The following is an entry in ClinVar:

NM_001048174.2(MUTYH):c.866T>G (p.Leu289Arg)

Gene: MUTYH (mutY DNA glycosylase; minus strand). Cytogenetic location: 1p34.1.
Variant type: single nucleotide variant.
Coding change: c.866T>G on transcript NM_001048174.2 (MANE Select); coding-DNA position 866, T replaced by G.
Protein change: p.Leu289Arg; replaces leucine 289 with arginine.
Molecular consequence: missense variant. On other transcripts: non-coding transcript variant (7).
Genome position (GRCh38, 1-based): chr1:45,332,070, A>C on the plus strand (T>G on the coding strand, the complement: MUTYH is on the minus strand). VCF-style: chr1-45332070-A-C. GRCh37 (hg19) VCF-style: chr1-45797742-A-C.
Other names: c.869T>G, p.Leu290Arg (NM_001407086.1, NM_001407078.1, NM_001407071.1 and 1 more transcripts); c.887T>G, p.Leu296Arg (NM_001407087.1); c.866T>G, p.Leu289Arg (NM_001407088.1, NM_001407089.1, NM_001407081.1 and 6 more transcripts); c.590T>G, p.Leu197Arg (NM_001407091.1, NM_001293196.2, NM_001293192.2); c.941T>G, p.Leu314Arg (NM_012222.3); c.827T>G, p.Leu276Arg (NM_001407079.1); c.824T>G, p.Leu275Arg (NM_001407080.1); c.521T>G, p.Leu174Arg (NM_001407082.1, NM_001350650.2, NM_001350651.2); and 5 more; short protein forms L197R, L289R, L290R, L303R, L174R, L276R, L296R, L304R.
Identifiers: ClinVar variation 4113945 (VCV004113945.1).

ClinVar aggregate classification (germline): Uncertain significance (1 of 4 stars; one submission).

Conditions:
Hereditary cancer-predisposing syndrome. Also called: Hereditary neoplastic syndrome; Neoplastic Syndromes, Hereditary; Tumor predisposition; Hereditary Cancer Syndrome. Identifiers: Orphanet 140162, MedGen C0027672, MeSH D009386, MONDO:0015356.

Submission:

Ambry Genetics
Classification: Uncertain significance for Hereditary cancer-predisposing syndrome. Last evaluated: 2025-08-27. Review status: criteria provided, single submitter. Criteria: Ambry Variant Classification Scheme 2023. Collection method: clinical testing. Allele origin: germline.
Comment: The p.L317R variant (also known as c.950T>G), located in coding exon 11 of the MUTYH gene, results from a T to G substitution at nucleotide position 950. The leucine at codon 317 is replaced by arginine, an amino acid with dissimilar properties. This amino acid position is conserved. In addition, this alteration is predicted to be tolerated by in silico analysis. Based on the available evidence, the clinical significance of this variant remains unclear.